The following is an entry in ClinVar:

NM_001035.3(RYR2):c.1533A>G (p.Ala511=)

Gene: RYR2 (ryanodine receptor 2; plus strand). Cytogenetic location: 1q43.
Variant type: single nucleotide variant.
Coding change: c.1533A>G on transcript NM_001035.3 (MANE Select); coding-DNA position 1533, A replaced by G.
Protein change: p.Ala511=; no amino-acid change (alanine 511 retained).
Molecular consequence: synonymous variant.
Genome position (GRCh38, 1-based): chr1:237,456,656, A>G. VCF-style: chr1-237456656-A-G. GRCh37 (hg19) VCF-style: chr1-237619956-A-G.
Identifiers: ClinVar variation 3072129 (VCV003072129.1), dbSNP rs572991665, ClinGen allele CA085800.

ClinVar aggregate classification (germline): Likely benign (1 of 4 stars; one submission).

Conditions:
Catecholaminergic polymorphic ventricular tachycardia (CVPT). Also called: Catecholamine-induced polymorphic ventricular tachycardia. Identifiers: Orphanet 3286, MedGen C5574922, MONDO:0017990.

Allele frequency attached by ClinVar (database versions not stated): gnomAD 0.00001; 1000 Genomes Project 30x 0.00016; 1000 Genomes Project 0.00020.
gnomAD v4.1: 1 of 1,613,578 alleles (0.000062%); highest among the groups gnomAD compares: East Asian, 0.0022%; no homozygotes.

Submission:

All of Us Research Program, National Institutes of Health
Classification: Likely benign for Catecholaminergic polymorphic ventricular tachycardia. Last evaluated: 2023-06-26. Review status: criteria provided, single submitter. Criteria: ACMG Guidelines, 2015. Collection method: clinical testing. Allele origin: germline. Inheritance: Autosomal dominant inheritance. Observed: 1 variant allele, 1 heterozygote.
Comment: This study involves interpretation of variants in research participants for the purpose of population health screening. Participant phenotype was not available at the time of variant classification. Additional details can be found in publication PMID: 35346344, PMCID: PMC8962531